The following is an entry in ClinVar:

ClinVar aggregate classification (germline): Pathogenic/Likely pathogenic. Review status: criteria provided, multiple submitters, no conflicts (2 of 4 stars). 10 submissions from 10 submitters: Pathogenic (9); Likely pathogenic (1). Last evaluated 2025-12-23.

Conditions:
Maple syrup urine disease type 1A (MSUD1A). Also called: MSUD type 1A. Identifiers: MedGen C1855369, MONDO:0023691, OMIM 248600.
Maple syrup urine disease type 1B (MSUD1B). Also called: MSUD type IB; MSUD type 3 (formerly); MSUD due to deficiency of e1-beta subunit of branched-chain alpha-keto acid dehydrogenase complex. Identifiers: MedGen C2930990, MONDO:0023692, OMIM 620698.
Maple syrup urine disease (MSUD). Identifiers: Orphanet 511, MedGen C0024776, MeSH D008375, MONDO:0009563. Disease mechanism: loss of function.

Allele frequency attached by ClinVar (database versions not stated): gnomAD 0.00001; gnomAD exomes 0.00001; TOPMed 0.00002.
gnomAD v4.1: 8 of 1,613,544 alleles (0.0005%); highest among the groups gnomAD compares: Admixed American, 0.005%; no homozygotes.

Submissions (10):

Labcorp Genetics (formerly Invitae), Labcorp
Classification: Pathogenic for Maple syrup urine disease. Last evaluated: 2025-12-23. Review status: criteria provided, single submitter. Criteria: Invitae Variant Classification Sherloc (09022015). Collection method: clinical testing. Allele origin: germline.
Comment: This sequence change affects a donor splice site in intron 5 of the BCKDHB gene. RNA analysis indicates that disruption of this splice site induces altered splicing and may result in an absent or altered protein product. This variant is present in population databases (rs398124589, gnomAD 0.006%). Disruption of this splice site has been observed in individual(s) with maple syrup urine disease (MSUD) (PMID: 8312380, 27507644). ClinVar contains an entry for this variant (Variation ID: 96602). Studies have shown that disruption of this splice site results in skipping of exons 5-6, and produces a non-functional protein and/or introduces a premature termination codon (PMID: 8312380). For these reasons, this variant has been classified as Pathogenic.

Natera, Inc.
Classification: Likely pathogenic for Maple syrup urine disease type 1B. Last evaluated: 2024-07-17. Review status: criteria provided, single submitter. Criteria: Natera Variant Classification Schema (03/2026). Collection method: clinical testing. Allele origin: germline.
Comment: The c.633+1G>A variant in BCKDHB is a canonical splice donor site variant predicted to affect pre-mRNA splicing, which may result in an abnormal transcript and altered protein product. This variant is expected to result in nonsense mediated decay, truncation, or a dysfunctional protein product. This variant is rare in the general population with a frequency below the threshold expected for the associated phenotype(s). This variant has been observed in one or more individuals affected with the associated recessive disease, as either homozygous or compound heterozygous with a second variant (PMID: 27507644). Another variant at this same site results in an alteration predicted to cause a similar molecular effect has been observed in individual(s) with the associated phenotype. Given the available evidence, this variant is classified as Likely Pathogenic.

Fulgent Genetics
Classification: Pathogenic for Maple syrup urine disease type 1B. Last evaluated: 2024-01-31. Review status: criteria provided, single submitter. Criteria: ACMG Guidelines, 2015. Collection method: clinical testing. Allele origin: germline.

Baylor Genetics
Classification: Pathogenic for Maple syrup urine disease type 1A. Last evaluated: 2023-12-13. Review status: criteria provided, single submitter. Criteria: ACMG Guidelines, 2015. Collection method: clinical testing. Allele origin: unknown.

Genome-Nilou Lab
Classification: Pathogenic for Maple syrup urine disease type 1A. Last evaluated: 2021-11-07. Review status: criteria provided, single submitter. Criteria: ACMG Guidelines, 2015. Collection method: clinical testing. Allele origin: germline. Affected: no.

Women's Health and Genetics/Laboratory Corporation of America, LabCorp
Classification: Pathogenic for Maple syrup urine disease. Last evaluated: 2021-09-08. Review status: criteria provided, single submitter. Criteria: LabCorp Variant Classification Summary - May 2015. Collection method: clinical testing. Allele origin: germline.
Comment: Variant summary: BCKDHB c.633+1G>A is located in a canonical splice-site and is predicted to affect mRNA splicing resulting in a significantly altered protein due to either exon skipping, shortening, or inclusion of intronic material. Several computational tools predict a significant impact on normal splicing: Four predict the variant abolishes a 5' splicing donor site. However, these predictions have yet to be confirmed by functional studies. The variant allele was found at a frequency of 1.2e-05 in 251150 control chromosomes. c.633+1G>A has been reported in the literature in two individuals affected with Maple Syrup Urine Disease, in the homozygous state (Abiri_2017, Abiri_2019). To our knowledge, no experimental evidence demonstrating an impact on protein function has been reported. Two clinical diagnostic laboratories have submitted clinical-significance assessments for this variant to ClinVar after 2014 without evidence for independent evaluation. All laboratories classified the variant as pathogenic. Based on the evidence outlined above, the variant was classified as pathogenic.

Revvity Omics, Revvity
Classification: Pathogenic for Maple syrup urine disease type 1A. Last evaluated: 2019-08-16. Review status: criteria provided, single submitter. Criteria: ACMG Guidelines, 2015. Collection method: clinical testing. Allele origin: germline.

CeGaT Center for Human Genetics Tuebingen
Classification: Pathogenic. Last evaluated: 2017-07-01. Review status: criteria provided, single submitter. Criteria: CeGaT Center For Human Genetics Tuebingen Variant Classification Criteria Version 2. Collection method: clinical testing. Allele origin: germline. Affected: yes. Observed: 1 variant allele.

Eurofins Ntd Llc (ga)
Classification: Pathogenic. Last evaluated: 2013-08-23. Review status: criteria provided, single submitter. Criteria: EGL Classification Definitions. Collection method: clinical testing. Allele origin: germline. Observed: 6 variant alleles, 5 heterozygotes, 1 homozygote.

National Newborn Screening Laboratory, Hospital Nacional de Niños
Classification: Pathogenic for Maple syrup urine disease type 1A. Review status: criteria provided, single submitter. Criteria: ACMG Guidelines, 2015. Collection method: clinical testing. Allele origin: maternal. Inheritance: Autosomal recessive inheritance. Affected: yes. Observed: 1 compound heterozygote. Segregation with disease observed.
Comment: This variant is located within the ±2 bp from a splice site in the BCKDHB gene, where loss of function is a known mechanism of disease. It is present in population databases in low frequency (GnomAD exomes: 0,00001; TopMed: 0,00002). This variant has been published in the literature associated with individuals with MSUD (PMID: 27507644, 31119508).

Literature cited by the submitters: PubMed 8312380 (cited by Labcorp Genetics (formerly Invitae), Labcorp); PubMed 27507644 (cited by 4 submitters); PubMed 31119508 (cited by Women's Health and Genetics/Laboratory Corporation of America, LabCorp and National Newborn Screening Laboratory, Hospital Nacional de Niños).

NM_183050.4(BCKDHB):c.633+1G>A

Gene: BCKDHB (branched chain keto acid dehydrogenase E1 subunit beta; plus strand). Cytogenetic location: 6q14.1.
Variant type: single nucleotide variant.
Coding change: c.633+1G>A on transcript NM_183050.4 (MANE Select); the canonical splice donor site of the intron after coding-DNA position 633, G replaced by A.
Molecular consequence: splice donor variant.
Genome position (GRCh38, 1-based): chr6:80,169,031, G>A. VCF-style: chr6-80169031-G-A. GRCh37 (hg19) VCF-style: chr6-80878748-G-A.
Other names: c.423+1G>A (NM_001318975.1); c.633+1G>A (NM_000056.5).
Identifiers: ClinVar variation 96602 (VCV000096602.65), dbSNP rs398124589, ClinGen allele CA224330.